The following is an entry in ClinVar:

ClinVar aggregate classification (germline): Benign/Likely benign. Review status: criteria provided, multiple submitters, no conflicts (2 of 4 stars). 5 submissions from 5 submitters: Benign (1); Likely benign (3). 1 of the submissions does not count toward it. Last evaluated 2026-02-01.

Conditions:
SMARCE1-related disorder. Also called: SMARCE1-related condition.
Hereditary cancer-predisposing syndrome. Also called: Tumor predisposition; Hereditary neoplastic syndrome; Hereditary Cancer Syndrome; Neoplastic Syndromes, Hereditary. Identifiers: Orphanet 140162, MedGen C0027672, MeSH D009386, MONDO:0015356.
Familial meningioma. Also called: Meningioma, familial, susceptibility to. Identifiers: Orphanet 263662, MedGen C3551915, MONDO:0011789, OMIM 607174.

Allele frequency attached by ClinVar (database versions not stated): gnomAD exomes 0.00006 and 0.00018; ExAC 0.00022; 1000 Genomes Project 30x 0.00031; 1000 Genomes Project 0.00040; gnomAD 0.00063 and 0.00066; TOPMed 0.00079; ESP Exome Variant Server 0.00092.
gnomAD v4.1: 191 of 1,613,850 alleles (0.012%); highest among the groups gnomAD compares: African/African-American, 0.23%; 2 homozygotes.

Submissions (5):

Labcorp Genetics (formerly Invitae), Labcorp
Classification: Benign for Familial meningioma. Last evaluated: 2026-02-01. Review status: criteria provided, single submitter. Criteria: Invitae Variant Classification Sherloc (09022015). Collection method: clinical testing. Allele origin: germline.

CeGaT Center for Human Genetics Tuebingen
Classification: Likely benign. Last evaluated: 2025-10-01. Review status: criteria provided, single submitter. Criteria: CeGaT Center For Human Genetics Tuebingen Variant Classification Criteria Version 2. Collection method: clinical testing. Allele origin: germline. Affected: yes. Observed: 1 variant allele.
Comment: SMARCE1: BP4, BP7

Blueprint Genetics
Classification: Likely benign. Last evaluated: 2023-06-20. Review status: criteria provided, single submitter. Criteria: ACMG Guidelines, 2015. Collection method: clinical testing. Allele origin: germline.

Ambry Genetics
Classification: Likely benign for Hereditary cancer-predisposing syndrome. Last evaluated: 2018-03-12. Review status: criteria provided, single submitter. Criteria: Ambry Variant Classification Scheme 2023. Collection method: clinical testing. Allele origin: germline.

PreventionGenetics, part of Exact Sciences
Classification: Likely benign for SMARCE1-related condition. Last evaluated: 2019-06-12. Review status: no assertion criteria provided. Collection method: clinical testing. Allele origin: germline. Not counted in ClinVar's aggregate classification.
Comment: This variant is classified as likely benign based on ACMG/AMP sequence variant interpretation guidelines (Richards et al. 2015 PMID: 25741868, with internal and published modifications).

NM_003079.5(SMARCE1):c.1101G>A (p.Lys367=)

Gene: SMARCE1 (SWI/SNF related BAF chromatin remodeling complex subunit E1; minus strand). Cytogenetic location: 17q21.2.
Variant type: single nucleotide variant.
Coding change: c.1101G>A on transcript NM_003079.5 (MANE Select); coding-DNA position 1101, G replaced by A.
Protein change: p.Lys367=; no amino-acid change (lysine 367 retained).
Molecular consequence: synonymous variant.
Genome position (GRCh38, 1-based): chr17:40,628,920, C>T on the plus strand (G>A on the coding strand, the complement: SMARCE1 is on the minus strand). VCF-style: chr17-40628920-C-T. GRCh37 (hg19) VCF-style: chr17-38785172-C-T.
Identifiers: ClinVar variation 414264 (VCV000414264.25), dbSNP rs148666451, ClinGen allele CA8545061.
Genomic context (GRCh38, chr17:40,628,920, plus strand): 5'-AGTGTTACTATCACTGGTTCCTTCCTCTGCCATACTGTCGACCCCCTCCTGCCCACTCTC[C>T]TTGTCCTCAGGAGTAGACGTGCCTTCTTCACCATTCTGTTGGCTCTCTGTTGTTTCTTCA-3'
Protein context (NP_003070.3, residues 357-377): GEEGTSTPED[Lys367=]ESGQEGVDSM